The following is an entry in ClinVar:

ClinVar aggregate classification (germline): Uncertain significance (1 of 4 stars; one submission).

Allele frequency attached by ClinVar (database versions not stated): gnomAD exomes 0.00001 and 0.00004; ExAC 0.00002; gnomAD 0.00005; TOPMed 0.00005; ESP Exome Variant Server 0.00015.

Submissions (2):

Labcorp Genetics (formerly Invitae), Labcorp
Classification: Uncertain significance. Last evaluated: 2023-11-27. Review status: criteria provided, single submitter. Criteria: Invitae Variant Classification Sherloc (09022015). Collection method: clinical testing. Allele origin: germline.
Comment: This sequence change affects codon 806 of the WHRN mRNA. It is a 'silent' change, meaning that it does not change the encoded amino acid sequence of the WHRN protein. This variant also falls at the last nucleotide of exon 10, which is part of the consensus splice site for this exon. This variant is present in population databases (rs373754936, gnomAD 0.02%). This variant has not been reported in the literature in individuals affected with WHRN-related conditions. ClinVar contains an entry for this variant (Variation ID: 968796). Variants that disrupt the consensus splice site are a relatively common cause of aberrant splicing (PMID: 17576681, 9536098). Algorithms developed to predict the effect of sequence changes on RNA splicing suggest that this variant may disrupt the consensus splice site. In summary, the available evidence is currently insufficient to determine the role of this variant in disease. Therefore, it has been classified as a Variant of Uncertain Significance.

Dr. Peter K. Rogan Lab, Western University
No classification provided (evidence only). Condition: Lung cancer. Review status: no classification provided. Collection method: in vitro. Allele origin: not applicable. Functional consequence: skipped exon, retained intron. Not counted in ClinVar's aggregate classification.

Literature cited by the submitters: PubMed 17576681 (cited by Labcorp Genetics (formerly Invitae), Labcorp); PubMed 9536098 (cited by Labcorp Genetics (formerly Invitae), Labcorp).

NM_015404.4(WHRN):c.2418G>A (p.Pro806=)

Gene: WHRN (whirlin; minus strand). Cytogenetic location: 9q32.
Variant type: single nucleotide variant.
Coding change: c.2418G>A on transcript NM_015404.4 (MANE Select); coding-DNA position 2418, G replaced by A.
Protein change: p.Pro806=; no amino-acid change (proline 806 retained).
Molecular consequence: synonymous variant.
Genome position (GRCh38, 1-based): chr9:114,403,896, C>T on the plus strand (G>A on the coding strand, the complement: WHRN is on the minus strand). VCF-style: chr9-114403896-C-T. GRCh37 (hg19) VCF-style: chr9-117166176-C-T.
Other names: c.1269G>A, p.Pro423= (NM_001083885.3); c.2415G>A, p.Pro805= (NM_001173425.2); c.1365G>A, p.Pro455= (NM_001346890.1).
Identifiers: ClinVar variation 968796 (VCV000968796.8), dbSNP rs373754936, ClinGen allele CA5205645.
Genomic context (GRCh38, chr9:114,403,896, plus strand): 5'-ATTCTGTGCCTGGGGCCCGTGTTCCTCTCAGCCCTCTGCATCCTCCTCCTCCTGGCTCAC[C>T]GGTTTGTTGGCCCCATCTGTGGGCCTCTCGTTCCGAGGCAGCTCCTTGCTACTCCTGCTC-3'
Protein context (NP_056219.3, residues 796-816): NERPTDGANK[Pro806=]PGLLEPTSTL